The following is an entry in ClinVar:

ClinVar aggregate classification (germline): Benign/Likely benign. Review status: criteria provided, multiple submitters, no conflicts (2 of 4 stars). 4 submissions from 4 submitters: Benign (2); Likely benign (1). 1 of the submissions does not count toward it. Last evaluated 2026-01-21.

Conditions:
KMT2D-related disorder. Also called: KMT2D-Related Disorders.
Kabuki syndrome. Also called: NIIKAWA-KUROKI SYNDROME; Kabuki make-up syndrome. Identifiers: Orphanet 2322, MedGen C0796004, MONDO:0016512.

Allele frequency attached by ClinVar (database versions not stated): gnomAD exomes 0.00003 and 0.00021; gnomAD 0.00005 and 0.00006; TOPMed 0.00005; ExAC 0.00025; 1000 Genomes Project 30x 0.00031; 1000 Genomes Project 0.00040.
gnomAD v4.1: 64 of 1,613,926 alleles (0.004%); highest among the groups gnomAD compares: East Asian, 0.13%; no homozygotes.

Submissions (4):

Labcorp Genetics (formerly Invitae), Labcorp
Classification: Benign for Kabuki syndrome. Last evaluated: 2026-01-21. Review status: criteria provided, single submitter. Criteria: Invitae Variant Classification Sherloc (09022015). Collection method: clinical testing. Allele origin: germline.

Blueprint Genetics
Classification: Likely benign. Last evaluated: 2024-06-06. Review status: criteria provided, single submitter. Criteria: ACMG Guidelines, 2015. Collection method: clinical testing. Allele origin: germline.

GeneDx
Classification: Benign. Last evaluated: 2020-10-28. Review status: criteria provided, single submitter. Criteria: GeneDx Variant Classification Process June 2021. Collection method: clinical testing. Allele origin: germline. Affected: yes.

PreventionGenetics, part of Exact Sciences
Classification: Likely benign for KMT2D-related condition. Last evaluated: 2022-10-05. Review status: no assertion criteria provided. Collection method: clinical testing. Allele origin: germline. Not counted in ClinVar's aggregate classification.
Comment: This variant is classified as likely benign based on ACMG/AMP sequence variant interpretation guidelines (Richards et al. 2015 PMID: 25741868, with internal and published modifications).

NM_003482.4(KMT2D):c.4583+10T>C

Gene: KMT2D (lysine methyltransferase 2D; minus strand). Cytogenetic location: 12q13.12.
Variant type: single nucleotide variant.
Coding change: c.4583+10T>C on transcript NM_003482.4 (MANE Select); 10 bases into the intron after coding-DNA position 4583, T replaced by C.
Molecular consequence: intron variant.
Genome position (GRCh38, 1-based): chr12:49,046,250, A>G on the plus strand (T>C on the coding strand, the complement: KMT2D is on the minus strand). VCF-style: chr12-49046250-A-G. GRCh37 (hg19) VCF-style: chr12-49440033-A-G.
Identifiers: ClinVar variation 728348 (VCV000728348.14), dbSNP rs537765057, ClinGen allele CA6547802.
Genomic context (GRCh38, chr12:49,046,250, plus strand): 5'-TGGAGGAAATAAGCTCAGGCAATGCGAGGCTGGCAACAGGGCCAAAGTGAGGAGAAAGGG[A>G]TGTTCTCACCGTTCACAGTGGCGGCACTGGATTAGTAGGTCCTCTTCTACGTAAGGAGCA-3'